The following is an entry in ClinVar:

ClinVar aggregate classification (germline): Uncertain significance. Review status: criteria provided, multiple submitters, no conflicts (2 of 4 stars). 2 submissions from 2 submitters: Uncertain significance (2). Last evaluated 2026-03-23.

Conditions:
Cardiovascular phenotype. Identifiers: MedGen CN230736.
Long QT syndrome (LQTS). Identifiers: MedGen C0023976, MeSH D008133, MONDO:0002442. Disease mechanism: loss of function. Inheritance: Various modes of inheritance.

Submissions (2):

Ambry Genetics
Classification: Uncertain significance for Cardiovascular phenotype. Last evaluated: 2026-03-23. Review status: criteria provided, single submitter. Criteria: Ambry Variant Classification Scheme 2023. Collection method: clinical testing. Allele origin: germline.
Comment: The p.A79S variant (also known as c.235G>T), located in coding exon 2 of the KCNH2 gene, results from a G to T substitution at nucleotide position 235. The alanine at codon 79 is replaced by serine, an amino acid with similar properties. This variant was reported in individual(s) with features consistent with long QT syndrome (Walsh R et al. Genet Med, 2021 Jan;23:47-58). This amino acid position is not well conserved in available vertebrate species. In addition, the in silico prediction for this alteration is inconclusive. Based on the available evidence, the clinical significance of this variant remains unclear.

Labcorp Genetics (formerly Invitae), Labcorp
Classification: Uncertain significance for Long QT syndrome. Last evaluated: 2017-03-18. Review status: criteria provided, single submitter. Criteria: Invitae Variant Classification Sherloc (09022015). Collection method: clinical testing. Allele origin: germline.
Comment: In summary, this variant is a novel missense change that is not predicted to affect protein function. There is no indication that it causes disease, but the available evidence is currently insufficient to prove that conclusively. Therefore, it has been classified as a Variant of Uncertain Significance. Algorithms developed to predict the effect of missense changes on protein structure and function (SIFT, PolyPhen-2, Align-GVGD) all suggest that this variant is likely to be tolerated, but these predictions have not been confirmed by published functional studies. This variant is not present in population databases (ExAC no frequency) and has not been reported in the literature in individuals with a KCNH2-related disease. This sequence change replaces alanine with serine at codon 79 of the KCNH2 protein (p.Ala79Ser). The alanine residue is weakly conserved and there is a moderate physicochemical difference between alanine and serine. This variant identified in the KCNH2 gene is located in the cytoplasmic N-terminal region of the resulting protein (PMID: 19841300, 25348405). It is unclear how this variant impacts the function of this protein.

Literature cited by the submitters: PubMed 32893267 (cited by Ambry Genetics); PubMed 19841300 (cited by Labcorp Genetics (formerly Invitae), Labcorp); PubMed 25348405 (cited by Labcorp Genetics (formerly Invitae), Labcorp).

NM_000238.4(KCNH2):c.235G>T (p.Ala79Ser)

Gene: KCNH2 (potassium voltage-gated channel subfamily H member 2; minus strand). Cytogenetic location: 7q36.1.
Variant type: single nucleotide variant.
Coding change: c.235G>T on transcript NM_000238.4 (MANE Select); coding-DNA position 235, G replaced by T.
Protein change: p.Ala79Ser; replaces alanine 79 with serine.
Molecular consequence: missense variant.
Genome position (GRCh38, 1-based): chr7:150,974,783, C>A on the plus strand (G>T on the coding strand, the complement: KCNH2 is on the minus strand). VCF-style: chr7-150974783-C-A. GRCh37 (hg19) VCF-style: chr7-150671871-C-A.
Other names: c.58G>T, p.Ala20Ser (NM_001406755.1); c.235G>T, p.Ala79Ser (NM_172056.3); short protein forms A79S, A20S.
Identifiers: ClinVar variation 456907 (VCV000456907.10), dbSNP rs794728494, ClinGen allele CA369865523.
Genomic context (GRCh38, chr7:150,974,783, plus strand): 5'-AGAAGGCGATTTCCACTTTGCGCTCCTCGGCGCCCAGCAGTGCCTGCGCGATCTGCGCGG[C>A]AGCGCGGCGCTGCGTGCGCGGCCCGTGCAGGAAGTCGCAGGTGCAGGGTCGCTGCATCAC-3'
Protein context (NP_000229.1, residues 69-89): LHGPRTQRRA[Ala79Ser]AQIAQALLGA